The following is an entry in ClinVar:

ClinVar aggregate classification (germline): Uncertain significance (1 of 4 stars; one submission).

Allele frequency attached by ClinVar (database versions not stated): ExAC 0.00001; gnomAD exomes 0.00001; gnomAD 0.00002.
gnomAD v4.1: 7 of 1,613,984 alleles (0.00043%); highest among the groups gnomAD compares: Admixed American, 0.0067%; no homozygotes.

Submission:

Labcorp Genetics (formerly Invitae), Labcorp
Classification: Uncertain significance. Last evaluated: 2023-03-27. Review status: criteria provided, single submitter. Criteria: Invitae Variant Classification Sherloc (09022015). Collection method: clinical testing. Allele origin: germline.
Comment: This sequence change replaces asparagine, which is neutral and polar, with serine, which is neutral and polar, at codon 406 of the CAMTA1 protein (p.Asn406Ser). In summary, the available evidence is currently insufficient to determine the role of this variant in disease. Therefore, it has been classified as a Variant of Uncertain Significance. Algorithms developed to predict the effect of missense changes on protein structure and function output the following: SIFT: "Not Available"; PolyPhen-2: "Benign"; Align-GVGD: "Not Available". The serine amino acid residue is found in multiple mammalian species, which suggests that this missense change does not adversely affect protein function. This variant has not been reported in the literature in individuals affected with CAMTA1-related conditions. This variant is present in population databases (rs764106424, gnomAD 0.007%).

NM_015215.4(CAMTA1):c.1217A>G (p.Asn406Ser)

Gene: CAMTA1 (calmodulin binding transcription activator 1; plus strand). Cytogenetic location: 1p36.23.
Variant type: single nucleotide variant.
Coding change: c.1217A>G on transcript NM_015215.4 (MANE Select); coding-DNA position 1217, A replaced by G.
Protein change: p.Asn406Ser; replaces asparagine 406 with serine.
Molecular consequence: missense variant.
Genome position (GRCh38, 1-based): chr1:7,663,764, A>G. VCF-style: chr1-7663764-A-G. GRCh37 (hg19) VCF-style: chr1-7723824-A-G.
Other names: c.1127A>G, p.Asn376Ser (NM_001349608.2, NM_001349612.2); c.1217A>G, p.Asn406Ser (NM_001349609.2, NM_001349610.2, NM_001410737.1); c.1145A>G, p.Asn382Ser (NM_001410738.1); short protein forms N382S, N376S, N406S.
Identifiers: ClinVar variation 2821204 (VCV002821204.3), dbSNP rs764106424, ClinGen allele CA566399.